The following is an entry in ClinVar:

NM_001164508.2(NEB):c.8485G>A (p.Asp2829Asn)

Gene: NEB (nebulin; minus strand). Cytogenetic location: 2q23.3.
Variant type: single nucleotide variant.
Coding change: c.8485G>A on transcript NM_001164508.2 (MANE Select); coding-DNA position 8485, G replaced by A.
Protein change: p.Asp2829Asn; replaces aspartic acid 2829 with asparagine.
Molecular consequence: missense variant.
Genome position (GRCh38, 1-based): chr2:151,640,555, C>T on the plus strand (G>A on the coding strand, the complement: NEB is on the minus strand). VCF-style: chr2-151640555-C-T. GRCh37 (hg19) VCF-style: chr2-152497069-C-T.
Other names: c.8485G>A, p.Asp2829Asn (NM_001164507.2, NM_001271208.2, NM_004543.5); short protein forms D2829N.
Identifiers: ClinVar variation 2163629 (VCV002163629.2), dbSNP rs560231650, ClinGen allele CA1909570.

ClinVar aggregate classification (germline): Uncertain significance. Review status: criteria provided, multiple submitters, no conflicts (2 of 4 stars). 2 submissions from 2 submitters: Uncertain significance (2). Last evaluated 2025-04-21.

Conditions:
Nemaline myopathy 2 (NEM2). Also called: Nemaline myopathy 2, autosomal recessive. Identifiers: MedGen C1850569, MONDO:0009725, OMIM 256030.

Allele frequency attached by ClinVar (database versions not stated): gnomAD 0.00001; 1000 Genomes Project 0.00020; gnomAD exomes 0.00003; ExAC 0.00010; 1000 Genomes Project 30x 0.00016.
gnomAD v4.1: 58 of 1,613,926 alleles (0.0036%); highest among the groups gnomAD compares: South Asian, 0.047%; no homozygotes.

Submissions (2):

Revvity Omics, Revvity
Classification: Uncertain significance. Last evaluated: 2025-04-21. Review status: criteria provided, single submitter. Criteria: ACMG Guidelines, 2015. Collection method: clinical testing. Allele origin: germline.

Labcorp Genetics (formerly Invitae), Labcorp
Classification: Uncertain significance for Nemaline myopathy 2. Last evaluated: 2022-03-08. Review status: criteria provided, single submitter. Criteria: Invitae Variant Classification Sherloc (09022015). Collection method: clinical testing. Allele origin: germline.
Comment: This sequence change replaces aspartic acid, which is acidic and polar, with asparagine, which is neutral and polar, at codon 2829 of the NEB protein (p.Asp2829Asn). This variant is present in population databases (rs560231650, gnomAD 0.08%). This variant has not been reported in the literature in individuals affected with NEB-related conditions. Algorithms developed to predict the effect of missense changes on protein structure and function are either unavailable or do not agree on the potential impact of this missense change (SIFT: "Deleterious"; PolyPhen-2: "Not Available"; Align-GVGD: "Class C0"). In summary, the available evidence is currently insufficient to determine the role of this variant in disease. Therefore, it has been classified as a Variant of Uncertain Significance.